The following is an entry in ClinVar:

NM_000256.3(MYBPC3):c.2420T>C (p.Ile807Thr)

Gene: MYBPC3 (myosin binding protein C3; minus strand). Cytogenetic location: 11p11.2.
Variant type: single nucleotide variant.
Coding change: c.2420T>C on transcript NM_000256.3 (MANE Select); coding-DNA position 2420, T replaced by C.
Protein change: p.Ile807Thr; replaces isoleucine 807 with threonine.
Molecular consequence: missense variant.
Genome position (GRCh38, 1-based): chr11:47,337,573, A>G on the plus strand (T>C on the coding strand, the complement: MYBPC3 is on the minus strand). VCF-style: chr11-47337573-A-G. GRCh37 (hg19) VCF-style: chr11-47359124-A-G.
Other names: short protein forms I807T.
Identifiers: ClinVar variation 3074322 (VCV003074322.1), dbSNP rs1215805817, ClinGen allele CA380318539.
Genomic context (GRCh38, chr11:47,337,573, plus strand): 5'-TGAATCAGGTCGAAGTTCAGCCGCATCCACCGGTAGCTCTTCTTCTTCTTGCGCTCCAGG[A>G]TGTAGCCTGGCTCAGGGGAGGTGGCAGCTCTGGTCTGGAACCCAGGCATCCCCACACCAC-3'
Protein context (NP_000247.2, residues 797-817): YDGGQPILGY[Ile807Thr]LERKKKKSYR

ClinVar aggregate classification (germline): Uncertain significance (1 of 4 stars; one submission).

Conditions:
Hypertrophic cardiomyopathy. Also called: HYPERTROPHIC MYOCARDIOPATHY. Identifiers: Orphanet 217569, MedGen C0007194, MeSH D002312, MONDO:0005045, HP:0001639.

Submission:

All of Us Research Program, National Institutes of Health
Classification: Uncertain significance for Hypertrophic cardiomyopathy. Last evaluated: 2023-11-02. Review status: criteria provided, single submitter. Criteria: ACMG Guidelines, 2015. Collection method: clinical testing. Allele origin: germline. Inheritance: Autosomal dominant inheritance. Observed: 1 variant allele, 1 heterozygote.
Comment: This missense variant replaces isoleucine with threonine at codon 807 of the MYBPC3 protein. Computational prediction suggests that this variant may not impact protein structure and function (internally defined REVEL score threshold <= 0.5, PMID: 27666373). To our knowledge, functional studies have not been reported for this variant. This variant has not been reported in individuals affected with MYBPC3-related disorders in the literature. This variant has not been identified in the general population by the Genome Aggregation Database (gnomAD). The available evidence is insufficient to determine the role of this variant in disease conclusively. Therefore, this variant is classified as a Variant of Uncertain Significance.

This study involves interpretation of variants in research participants for the purpose of population health screening. Participant phenotype was not available at the time of variant classification. Additional details can be found in publication PMID: 35346344, PMCID: PMC8962531